The following is an entry in ClinVar:

ClinVar aggregate classification (germline): Likely benign (0 of 4 stars; one submission).

Conditions:
PKD1-related disorder. Also called: PKD1-related condition.

Allele frequency attached by ClinVar (database versions not stated): gnomAD 0.00003; gnomAD exomes 0.00003; TOPMed 0.00003; ESP Exome Variant Server 0.00008.

Submission:

PreventionGenetics, part of Exact Sciences
Classification: Likely benign for PKD1-related condition. Last evaluated: 2023-02-07. Review status: no assertion criteria provided. Collection method: clinical testing. Allele origin: germline.
Comment: This variant is classified as likely benign based on ACMG/AMP sequence variant interpretation guidelines (Richards et al. 2015 PMID: 25741868, with internal and published modifications).

NM_001009944.3(PKD1):c.12445-30G>A

Genes: MIR1225 (microRNA 1225; minus strand), PKD1 (polycystin 1, transient receptor potential channel interacting; minus strand). Cytogenetic location: 16p13.3.
Variant type: single nucleotide variant.
Coding change: c.12445-30G>A on transcript NM_001009944.3 (MANE Select); 30 bases into the intron before coding-DNA position 12445, G replaced by A.
Molecular consequence: intron variant. On other transcripts: non-coding transcript variant (1).
Genome position (GRCh38, 1-based): chr16:2,090,224, C>T on the plus strand (G>A on the coding strand, the complement: PKD1 is on the minus strand). VCF-style: chr16-2090224-C-T. GRCh37 (hg19) VCF-style: chr16-2140225-C-T.
Other names: c.12442-30G>A (NM_000296.4).
Identifiers: ClinVar variation 3036006 (VCV003036006.2), dbSNP rs368570774, ClinGen allele CA276763667.